The following is an entry in ClinVar:

NM_139076.3(ABRAXAS1):c.817G>C (p.Asp273His)

Gene: ABRAXAS1 (abraxas 1, BRCA1 A complex subunit; minus strand). Cytogenetic location: 4q21.23.
Variant type: single nucleotide variant.
Coding change: c.817G>C on transcript NM_139076.3 (MANE Select); coding-DNA position 817, G replaced by C.
Protein change: p.Asp273His; replaces aspartic acid 273 with histidine.
Molecular consequence: missense variant.
Genome position (GRCh38, 1-based): chr4:83,462,882, C>G on the plus strand (G>C on the coding strand, the complement: ABRAXAS1 is on the minus strand). VCF-style: chr4-83462882-C-G. GRCh37 (hg19) VCF-style: chr4-84384035-C-G.
Other names: c.490G>C, p.Asp164His (NM_001345962.2); short protein forms D164H, D273H.
Identifiers: ClinVar variation 2563998 (VCV002563998.2), dbSNP rs1722191298, ClinGen allele CA357256698.
Genomic context (GRCh38, chr4:83,462,882, plus strand): 5'-ATTCAGAATTTGGAAAAAAGGTCCGTAATGCCTGACAAAGAAAAATGTTCTCCTGAGGGT[C>G]TTTTTGGATGTTCTTCTCTCCTAAACAAAATAGAATAACAGTTCAACATATAACATTTCT-3'
Protein context (NP_620775.2, residues 263-283): QAAREKNIQK[Asp273His]PQENIFLCQA

ClinVar aggregate classification (germline): Uncertain significance (1 of 4 stars; one submission).

Allele frequency attached by ClinVar (database versions not stated): gnomAD exomes below 0.00001.
gnomAD v4.1: 4 of 1,582,428 alleles (0.00025%); highest among the groups gnomAD compares: Non-Finnish European, 0.00026%; no homozygotes.

Submission:

Ambry Genetics
Classification: Uncertain significance. Last evaluated: 2023-05-05. Review status: criteria provided, single submitter. Criteria: Ambry Variant Classification Scheme 2023. Collection method: clinical testing. Allele origin: germline.
Comment: The p.D273H variant (also known as c.817G>C), located in coding exon 9 of the FAM175A gene, results from a G to C substitution at nucleotide position 817. The aspartic acid at codon 273 is replaced by histidine, an amino acid with similar properties. This amino acid position is conserved. In addition, this alteration is predicted to be tolerated by in silico analysis. Since supporting evidence is limited at this time, the clinical significance of this alteration remains unclear.